The following is an entry in ClinVar:

NM_003289.4(TPM2):c.240+5G>T

Gene: TPM2 (tropomyosin 2; minus strand). Cytogenetic location: 9p13.3.
Variant type: single nucleotide variant.
Coding change: c.240+5G>T on transcript NM_003289.4 (MANE Select); 5 bases into the intron after coding-DNA position 240, G replaced by T.
Molecular consequence: intron variant.
Genome position (GRCh38, 1-based): chr9:35,689,141, C>A on the plus strand (G>T on the coding strand, the complement: TPM2 is on the minus strand). VCF-style: chr9-35689141-C-A. GRCh37 (hg19) VCF-style: chr9-35689138-C-A.
Other names: c.240+5G>T (NM_213674.1, NM_001301226.2, NM_001301227.2 and 1 more transcripts).
Identifiers: ClinVar variation 3648372 (VCV003648372.3).

ClinVar aggregate classification (germline): Uncertain significance. Review status: criteria provided, multiple submitters, no conflicts (2 of 4 stars). 2 submissions from 2 submitters: Uncertain significance (2). Last evaluated 2025-07-25.

Conditions:
Arthrogryposis, distal, type 1A. Also called: ARTHROGRYPOSIS MULTIPLEX CONGENITA, DISTAL, TYPE I. Identifiers: Orphanet 1146, MedGen C6022280, MONDO:0007157, OMIM 108120.
Inborn genetic diseases. Identifiers: MedGen C0950123, MeSH D030342.

Submissions (2):

Ambry Genetics
Classification: Uncertain significance for Inborn genetic diseases. Last evaluated: 2025-07-25. Review status: criteria provided, single submitter. Criteria: Ambry Variant Classification Scheme 2023. Collection method: clinical testing. Allele origin: germline.
Comment: The c.240+5G>T intronic alteration results from a G to T substitution 5 nucleotides after coding exon 2 in the TPM2 gene. This variant was not reported in population-based cohorts in the Genome Aggregation Database (gnomAD). This nucleotide position is highly conserved in available vertebrate species. In silico splice site analysis predicts that this alteration may weaken the native splice donor site. Based on insufficient or conflicting evidence, the clinical significance of this alteration remains unclear.

Labcorp Genetics (formerly Invitae), Labcorp
Classification: Uncertain significance for Arthrogryposis, distal, type 1A. Last evaluated: 2024-04-01. Review status: criteria provided, single submitter. Criteria: Invitae Variant Classification Sherloc (09022015). Collection method: clinical testing. Allele origin: germline.
Comment: This sequence change falls in intron 2 of the TPM2 gene. It does not directly change the encoded amino acid sequence of the TPM2 protein. It affects a nucleotide within the consensus splice site. This variant is not present in population databases (gnomAD no frequency). This variant has not been reported in the literature in individuals affected with TPM2-related conditions. Variants that disrupt the consensus splice site are a relatively common cause of aberrant splicing (PMID: 17576681, 9536098). Algorithms developed to predict the effect of sequence changes on RNA splicing suggest that this variant may disrupt the consensus splice site. In summary, the available evidence is currently insufficient to determine the role of this variant in disease. Therefore, it has been classified as a Variant of Uncertain Significance.

Literature cited by the submitters: PubMed 17576681 (cited by Labcorp Genetics (formerly Invitae), Labcorp); PubMed 9536098 (cited by Labcorp Genetics (formerly Invitae), Labcorp).